The following is an entry in ClinVar:

ClinVar aggregate classification (germline): Conflicting classifications of pathogenicity. Review status: criteria provided, conflicting classifications (1 of 4 stars). 4 submissions from 4 submitters: Uncertain significance (3); Likely benign (1). Last evaluated 2026-01-28.

Conditions:
Inborn genetic diseases. Identifiers: MedGen C0950123, MeSH D030342.

Allele frequency attached by ClinVar (database versions not stated): gnomAD 0.00099 and 0.00107; TOPMed 0.00127; gnomAD exomes 0.00009 and 0.00022; ExAC 0.00030; ESP Exome Variant Server 0.00077; 1000 Genomes Project 30x 0.00078; 1000 Genomes Project 0.00080.
gnomAD v4.1: 286 of 1,614,034 alleles (0.018%); highest among the groups gnomAD compares: African/African-American, 0.34%; no homozygotes.

Submissions (4):

Labcorp Genetics (formerly Invitae), Labcorp
Classification: Likely benign. Last evaluated: 2026-01-28. Review status: criteria provided, single submitter. Criteria: Invitae Variant Classification Sherloc (09022015). Collection method: clinical testing. Allele origin: germline.

Blueprint Genetics
Classification: Uncertain significance. Last evaluated: 2024-03-25. Review status: criteria provided, single submitter. Criteria: ACMG Guidelines, 2015. Collection method: clinical testing. Allele origin: germline.

GeneDx
Classification: Uncertain significance. Last evaluated: 2023-11-10. Review status: criteria provided, single submitter. Criteria: GeneDx Variant Classification Process June 2021. Collection method: clinical testing. Allele origin: germline. Affected: yes.
Comment: In silico analysis supports that this missense variant has a deleterious effect on protein structure/function; Has not been previously published as pathogenic or benign to our knowledge

Ambry Genetics
Classification: Uncertain significance for Inborn genetic diseases. Last evaluated: 2023-10-10. Review status: criteria provided, single submitter. Criteria: Ambry Variant Classification Scheme 2023. Collection method: clinical testing. Allele origin: germline.

NM_207361.6(FREM2):c.3539C>G (p.Pro1180Arg)

Gene: FREM2 (FRAS1 related extracellular matrix 2; plus strand). Cytogenetic location: 13q13.3.
Variant type: single nucleotide variant.
Coding change: c.3539C>G on transcript NM_207361.6 (MANE Select); coding-DNA position 3539, C replaced by G.
Protein change: p.Pro1180Arg; replaces proline 1180 with arginine.
Molecular consequence: missense variant.
Genome position (GRCh38, 1-based): chr13:38,690,883, C>G. VCF-style: chr13-38690883-C-G. GRCh37 (hg19) VCF-style: chr13-39265020-C-G.
Other names: short protein forms P1180R.
Identifiers: ClinVar variation 697443 (VCV000697443.14), dbSNP rs139236965, ClinGen allele CA6954809.